The following is an entry in ClinVar:

ClinVar aggregate classification (germline): Uncertain significance. Review status: criteria provided, multiple submitters, no conflicts (2 of 4 stars). 2 submissions from 2 submitters: Uncertain significance (2). Last evaluated 2025-09-29.

Conditions:
Familial hypercholesterolemia. Also called: Familial hypercholesterolemias; Familial hypercholesterolaemia. Identifiers: MedGen C0020445, MONDO:0005439.
Hypercholesterolemia, autosomal dominant, 3 (FHCL3). Also called: Familial Hypercholesterolemia, Autosomal Dominant, 3; PCSK9-Related Familial Hypercholesterolemia, Autosomal Dominant; Familial hypercholesterolemia 3. Identifiers: MedGen C1863551, MONDO:0011369, OMIM 603776.

gnomAD v4.1: 11 of 1,614,124 alleles (0.00068%); highest among the groups gnomAD compares: Non-Finnish European, 0.00093%; no homozygotes.

Submissions (2):

Color Diagnostics, LLC DBA Color Health
Classification: Uncertain significance for Familial hypercholesterolemia. Last evaluated: 2025-09-29. Review status: criteria provided, single submitter. Criteria: ACMG Guidelines, 2015. Collection method: clinical testing. Allele origin: germline.
Comment: This missense variant replaces histidine with arginine at codon 139 of the PCSK9 protein. Computational prediction suggests that this variant may not impact protein structure and function. To our knowledge, functional studies have not been reported for this variant. This variant has not been reported in individuals affected with PCSK9-related disorders in the literature. This variant has been identified in 11/1461888 chromosomes in the general population by the Genome Aggregation Database (gnomAD). The available evidence is insufficient to determine the role of this variant in disease conclusively. Therefore, this variant is classified as a Variant of Uncertain Significance.

Labcorp Genetics (formerly Invitae), Labcorp
Classification: Uncertain significance for Hypercholesterolemia, autosomal dominant, 3. Last evaluated: 2025-03-19. Review status: criteria provided, single submitter. Criteria: Invitae Variant Classification Sherloc (09022015). Collection method: clinical testing. Allele origin: germline.
Comment: This sequence change replaces histidine, which is basic and polar, with arginine, which is basic and polar, at codon 139 of the PCSK9 protein (p.His139Arg). This variant is not present in population databases (gnomAD no frequency). This variant has not been reported in the literature in individuals affected with PCSK9-related conditions. Invitae Evidence Modeling of protein sequence and biophysical properties (such as structural, functional, and spatial information, amino acid conservation, physicochemical variation, residue mobility, and thermodynamic stability) indicates that this missense variant is not expected to disrupt PCSK9 protein function with a negative predictive value of 80%. In summary, the available evidence is currently insufficient to determine the role of this variant in disease. Therefore, it has been classified as a Variant of Uncertain Significance.

NM_174936.4(PCSK9):c.416A>G (p.His139Arg)

Gene: PCSK9 (proprotein convertase subtilisin/kexin type 9; plus strand). Cytogenetic location: 1p32.3.
Variant type: single nucleotide variant.
Coding change: c.416A>G on transcript NM_174936.4 (MANE Select); coding-DNA position 416, A replaced by G.
Protein change: p.His139Arg; replaces histidine 139 with arginine.
Molecular consequence: missense variant. On other transcripts: non-coding transcript variant (6), intron variant (1).
Genome position (GRCh38, 1-based): chr1:55,046,539, A>G. VCF-style: chr1-55046539-A-G. GRCh37 (hg19) VCF-style: chr1-55512212-A-G.
Other names: c.400-41A>G (NM_001407243.1); c.539A>G, p.His180Arg (NM_001407240.1); c.416A>G, p.His139Arg (NM_001407241.1, NM_001407242.1, NM_001407244.1 and 1 more transcripts); c.224A>G, p.His75Arg (NM_001407245.1); c.41A>G, p.His14Arg (NM_001407246.1); short protein forms H139R, H14R, H180R, H75R.
Identifiers: ClinVar variation 4749893 (VCV004749893.1).